The following is an entry in ClinVar:

NM_000090.4(COL3A1):c.412C>G (p.Pro138Ala)

Gene: COL3A1 (collagen type III alpha 1 chain; plus strand). Cytogenetic location: 2q32.2.
Variant type: single nucleotide variant.
Coding change: c.412C>G on transcript NM_000090.4 (MANE Select); coding-DNA position 412, C replaced by G.
Protein change: p.Pro138Ala; replaces proline 138 with alanine.
Molecular consequence: missense variant.
Genome position (GRCh38, 1-based): chr2:188,985,743, C>G. VCF-style: chr2-188985743-C-G. GRCh37 (hg19) VCF-style: chr2-189850469-C-G.
Other names: short protein forms P138A.
Identifiers: ClinVar variation 4538994 (VCV004538994.2).

ClinVar aggregate classification (germline): Uncertain significance (1 of 4 stars; one submission).

gnomAD v4.1: 4 of 1,611,704 alleles (0.00025%); highest among the groups gnomAD compares: African/African-American, 0.0013%; no homozygotes.

Submission:

GeneDx
Classification: Uncertain significance. Last evaluated: 2026-01-11. Review status: criteria provided, single submitter. Criteria: GeneDx Variant Classification Process June 2021. Collection method: clinical testing. Allele origin: germline.
Comment: Not observed at significant frequency in large population cohorts (gnomAD); In silico analysis supports that this missense variant has a deleterious effect on protein structure/function; Has not been previously published as pathogenic or benign to our knowledge; Not located in the triple helical region, where the majority of pathogenic missense variants occur (HGMD)